The following is an entry in ClinVar:

ClinVar aggregate classification (germline): Conflicting classifications of pathogenicity. Review status: criteria provided, conflicting classifications (1 of 4 stars). 5 submissions from 5 submitters: Uncertain significance (4); Likely benign (1). Last evaluated 2026-08-20.

Conditions:
MYO7A-related disorder. Also called: MYO7A-related disorders.

Allele frequency attached by ClinVar (database versions not stated): gnomAD exomes 0.00006 and 0.00018; 1000 Genomes Project 30x 0.00016; 1000 Genomes Project 0.00020; ExAC 0.00031; ESP Exome Variant Server 0.00039; gnomAD 0.00057 and 0.00059; TOPMed 0.00064.
gnomAD v4.1: 185 of 1,613,940 alleles (0.011%); highest among the groups gnomAD compares: African/African-American, 0.2%; no homozygotes.

Submissions (5):

GeneDx
Classification: Uncertain significance. Last evaluated: 2026-08-20. Review status: criteria provided, single submitter. Criteria: GeneDx Variant Classification Process June 2021. Collection method: clinical testing. Allele origin: germline.
Comment: In silico analysis supports that this missense variant has a deleterious effect on protein structure/function; This variant is associated with the following publications: (PMID: 26969326, 40069133)

PreventionGenetics, part of Exact Sciences
Classification: Uncertain significance for MYO7A-related condition. Last evaluated: 2026-04-23. Review status: criteria provided, single submitter. Criteria: ACMG Guidelines, 2015. Collection method: clinical testing. Allele origin: germline.
Comment: The MYO7A c.4916C>T variant is predicted to result in the amino acid substitution p.Thr1639Met. This variant was reported along with a second potentially causative MYO7A variant in an individual with hearing loss (Table S3, Sloan-Heggen et al. 2016. PubMed ID: 26969326). This variant is reported in 0.21% of alleles in individuals of African descent in gnomAD. At this time, the clinical significance of this variant is uncertain due to the absence of conclusive functional and genetic evidence.

Labcorp Genetics (formerly Invitae), Labcorp
Classification: Likely benign. Last evaluated: 2026-01-25. Review status: criteria provided, single submitter. Criteria: Invitae Variant Classification Sherloc (09022015). Collection method: clinical testing. Allele origin: germline.

Blueprint Genetics
Classification: Uncertain significance. Last evaluated: 2024-09-09. Review status: criteria provided, single submitter. Criteria: ACMG Guidelines, 2015. Collection method: clinical testing. Allele origin: germline.

Laboratory for Molecular Medicine, Mass General Brigham Personalized Medicine
Classification: Uncertain significance. Last evaluated: 2018-08-08. Review status: criteria provided, single submitter. Criteria: LMM Criteria. Collection method: clinical testing. Allele origin: germline. Observed: 1 variant allele.
Comment: The p.Thr1639Met variant in MYO7A has been reported in 1 individual who harbored a second variant of uncertain significance in MYO7A (Sloan-Heggen 2016). This v ariant has been identified in 0.23% (54/24014) of African chromosomes by the Gen ome Aggregation Database (gnomAD) and is repo rted in ClinVar (Variation ID: 421863). Although this variant has been seen in the general population, its frequency is not high enough to rule out a pathogeni c role. Computational prediction tools and conservation analysis suggest that th e p.Thr1630Met variant may impact the protein, though this information is not pr edictive enough to determine pathogenicity. In summary, the clinical significanc e of the p.Thr1639Met variant is uncertain. ACMG/AMP Criteria applied: PP3, BS1_ Supporting.

Literature cited by the submitters: PubMed 26969326 (cited by Laboratory for Molecular Medicine, Mass General Brigham Personalized Medicine).

NM_000260.4(MYO7A):c.4916C>T (p.Thr1639Met)

Gene: MYO7A (myosin VIIA; plus strand). Cytogenetic location: 11q13.5.
Variant type: single nucleotide variant.
Coding change: c.4916C>T on transcript NM_000260.4 (MANE Select); coding-DNA position 4916, C replaced by T.
Protein change: p.Thr1639Met; replaces threonine 1639 with methionine.
Molecular consequence: missense variant.
Genome position (GRCh38, 1-based): chr11:77,201,511, C>T. VCF-style: chr11-77201511-C-T. GRCh37 (hg19) VCF-style: chr11-76912556-C-T.
Other names: p.Thr1639Met; c.4802C>T, p.Thr1601Met (NM_001127180.2); c.4769C>T, p.Thr1590Met (NM_001369365.1); short protein forms T1639M, T1590M, T1601M.
Identifiers: ClinVar variation 421863 (VCV000421863.25), dbSNP rs200848641, ClinGen allele CA6198573.